The following is an entry in ClinVar:

NM_000545.8(HNF1A):c.998_1013del (p.Val333fs)

Gene: HNF1A (HNF1 homeobox A; plus strand). Cytogenetic location: 12q24.31.
Variant type: Deletion.
Coding change: c.998_1013del on transcript NM_000545.8 (MANE Select); coding-DNA positions 998 to 1013, 16 bases deleted (TACCCTCAAGCAGCGG).
Protein change: p.Val333fs; shifts the reading frame from valine 333.
Molecular consequence: frameshift variant.
Genome position (GRCh38, 1-based): chr12:120,996,304-120,996,319, TACCCTCAAGCAGCGG deleted; deleting any 16 consecutive bases within chr12:120,996,303-120,996,319 gives the same sequence; the c. name uses the placement nearest the transcript's 3' end. VCF-style (leftmost placement, unchanged base first): chr12-120996302-AGTACCCTCAAGCAGCG-A. GRCh37 (hg19) VCF-style: chr12-121434105-AGTACCCTCAAGCAGCG-A.
Other names: c.998_1013del16, p.Val333Alafs (NM_000545.5); c.998_1013del, p.Val333fs (NM_001306179.2, NM_001406915.1); c.998_1013del16 (NM_000545.6); short protein forms V333fs.
Identifiers: ClinVar variation 2502593 (VCV002502593.6), dbSNP rs2500001477, ClinGen allele CA2575321971.

ClinVar aggregate classification (germline): Pathogenic/Likely pathogenic. Review status: criteria provided, multiple submitters, no conflicts (2 of 4 stars). 4 submissions from 4 submitters: Pathogenic (3); Likely pathogenic (1). Last evaluated 2026-06-29.

Conditions:
Maturity-onset diabetes of the young (MODY). Also called: Maturity onset diabetes mellitus in young. Identifiers: Orphanet 552, MedGen C0342276, MONDO:0018911, HP:0004904.
Maturity-onset diabetes of the young type 3. Also called: MODY type 3; MODY, type III. Identifiers: Orphanet 552, MedGen C1838100, MeSH C563933, MONDO:0010894, OMIM 600496. Disease mechanism: loss of function.

Submissions (4):

GeneDx
Classification: Pathogenic. Last evaluated: 2026-06-29. Review status: criteria provided, single submitter. Criteria: GeneDx Variant Classification Process June 2021. Collection method: clinical testing. Allele origin: germline.
Comment: Reported in the heterozygous state in a patient with youth-onset diabetes clinically diagnosed as type 2 diabetes; however, detailed clinical information was not provided (PMID: 34362814); Frameshift variant predicted to result in protein truncation or nonsense mediated decay in a gene for which loss of function is a known mechanism of disease; Not observed at significant frequency in large population cohorts (gnomAD); This variant is associated with the following publications: (PMID: 34362814)

Greenwood Genetic Center Diagnostic Laboratories, Greenwood Genetic Center
Classification: Likely pathogenic for Maturity-onset diabetes of the young type 3. Last evaluated: 2025-11-17. Review status: criteria provided, single submitter. Criteria: ACMG Guidelines, 2015. Collection method: clinical testing. Allele origin: germline.
Comment: PVS1, PM2

Labcorp Genetics (formerly Invitae), Labcorp
Classification: Pathogenic. Last evaluated: 2024-04-13. Review status: criteria provided, single submitter. Criteria: Invitae Variant Classification Sherloc (09022015). Collection method: clinical testing. Allele origin: germline.
Comment: This sequence change creates a premature translational stop signal (p.Val333Alafs*4) in the HNF1A gene. It is expected to result in an absent or disrupted protein product. Loss-of-function variants in HNF1A are known to be pathogenic (PMID: 15928245, 18003757). This variant is not present in population databases (gnomAD no frequency). This variant has not been reported in the literature in individuals affected with HNF1A-related conditions. ClinVar contains an entry for this variant (Variation ID: 2502593). For these reasons, this variant has been classified as Pathogenic.

Women's Health and Genetics/Laboratory Corporation of America, LabCorp
Classification: Pathogenic for Maturity-onset diabetes of the young. Last evaluated: 2023-06-27. Review status: criteria provided, single submitter. Criteria: LabCorp Variant Classification Summary - May 2015. Collection method: clinical testing. Allele origin: germline.
Comment: Variant summary: HNF1A c.998_1013del16 (p.Val333AlafsX4) results in a premature termination codon, predicted to cause absence of the protein due to nonsense mediated decay, which is a commonly known mechanism for disease. The variant was absent in 251438 control chromosomes (gnomAD). To our knowledge, no occurrence of c.998_1013del16 in individuals affected with Maturity Onset Diabetes Of The Young 3 and no experimental evidence demonstrating its impact on protein function have been reported. One submitter has cited a clinical-significance assessments for this variant to ClinVar after 2014 and has classified the variant as likely pathogenic. Based on the evidence outlined above, the variant was classified as pathogenic.

Literature cited by the submitters: PubMed 15928245 (cited by Labcorp Genetics (formerly Invitae), Labcorp); PubMed 18003757 (cited by Labcorp Genetics (formerly Invitae), Labcorp).